The following is an entry in ClinVar:

NM_080680.3(COL11A2):c.3961G>A (p.Gly1321Ser)

Gene: COL11A2 (collagen type XI alpha 2 chain; minus strand). Cytogenetic location: 6p21.32.
Variant type: single nucleotide variant.
Coding change: c.3961G>A on transcript NM_080680.3 (MANE Select); coding-DNA position 3961, G replaced by A.
Protein change: p.Gly1321Ser; replaces glycine 1321 with serine.
Molecular consequence: missense variant.
Genome position (GRCh38, 1-based): chr6:33,167,852, C>T on the plus strand (G>A on the coding strand, the complement: COL11A2 is on the minus strand). VCF-style: chr6-33167852-C-T. GRCh37 (hg19) VCF-style: chr6-33135629-C-T.
Other names: c.3781G>A, p.Gly1261Ser (NM_001424108.1); c.3115G>A, p.Gly1039Ser (NM_001424109.1); c.2935G>A, p.Gly979Ser (NM_001424110.1, NM_001424111.1); c.1915G>A, p.Gly639Ser (NM_001424112.1); c.3640G>A, p.Gly1214Ser (NM_080679.3); c.3703G>A, p.Gly1235Ser (NM_080681.3); short protein forms G1039S, G639S, G1214S, G1261S, G1321S, G1235S, G979S.
Identifiers: ClinVar variation 4731485 (VCV004731485.1).
Genomic context (GRCh38, chr6:33,167,852, plus strand): 5'-CCCTCACCTTGGCTCCCTTCCCTCCTTGTCGCCCCTCGGAACCAGGCGAGCCAGCAGGAC[C>T]CTGCAGGTGGAGTGGGAAGGAAGAGCACATGAGGCCGTGGGCAGCCAGGCTCAACTCTTC-3'
Protein context (NP_542411.2, residues 1311-1331): NGPPGPLGKR[Gly1321Ser]PAGSPGSEGR

ClinVar aggregate classification (germline): Uncertain significance (1 of 4 stars; one submission).

gnomAD v4.1: 2 of 1,612,816 alleles (0.00012%); highest among the groups gnomAD compares: African/African-American, 0.0027%; no homozygotes.

Submission:

Labcorp Genetics (formerly Invitae), Labcorp
Classification: Uncertain significance. Last evaluated: 2025-11-18. Review status: criteria provided, single submitter. Criteria: Invitae Variant Classification Sherloc (09022015). Collection method: clinical testing. Allele origin: germline.
Comment: This sequence change replaces glycine, which is neutral and non-polar, with serine, which is neutral and polar, at codon 1321 of the COL11A2 protein (p.Gly1321Ser). This variant is present in population databases (rs752131049, gnomAD 0.01%). This variant has not been reported in the literature in individuals affected with COL11A2-related conditions. Experimental studies and prediction algorithms are not available or were not evaluated, and the functional significance of this variant is currently unknown. In summary, the available evidence is currently insufficient to determine the role of this variant in disease. Therefore, it has been classified as a Variant of Uncertain Significance.